The following is an entry in ClinVar:

NM_024753.5(TTC21B):c.2462-19A>C

Gene: TTC21B (tetratricopeptide repeat domain 21B; minus strand). Cytogenetic location: 2q24.3.
Variant type: single nucleotide variant.
Coding change: c.2462-19A>C on transcript NM_024753.5 (MANE Select); 19 bases into the intron before coding-DNA position 2462, A replaced by C.
Molecular consequence: intron variant.
Genome position (GRCh38, 1-based): chr2:165,907,803, T>G on the plus strand (A>C on the coding strand, the complement: TTC21B is on the minus strand). VCF-style: chr2-165907803-T-G. GRCh37 (hg19) VCF-style: chr2-166764313-T-G.
Identifiers: ClinVar variation 261775 (VCV000261775.22), dbSNP rs146509360, ClinGen allele CA1941821.

ClinVar aggregate classification (germline): Benign. Review status: criteria provided, multiple submitters, no conflicts (2 of 4 stars). 4 submissions from 4 submitters: Benign (4). Last evaluated 2026-01-27.

Conditions:
Jeune thoracic dystrophy. Also called: Jeune syndrome; Infantile thoracic dystrophy; Thoracic pelvic phalangeal dystrophy; Jeune's syndrome; Chondroectodermal dysplasia-like syndrome; Short-rib thoracic dysplasia. Identifiers: Orphanet 474, MedGen C0265275, MONDO:0018770.
Nephronophthisis. Also called: Juvenile Nephronophthisis. Identifiers: Orphanet 655, MedGen C0687120, MONDO:0019005, HP:0000090.

Allele frequency attached by ClinVar (database versions not stated): gnomAD 0.00946; ESP Exome Variant Server 0.01123; TOPMed 0.01137; 1000 Genomes Project 0.01418; gnomAD exomes 0.00262; ExAC 0.00376; 1000 Genomes Project 30x 0.01577.
gnomAD v4.1: 2,918 of 1,504,278 alleles (0.19%); highest among the groups gnomAD compares: African/African-American, 3.6%; 48 homozygotes.

Submissions (4):

Labcorp Genetics (formerly Invitae), Labcorp
Classification: Benign for Jeune thoracic dystrophy; Nephronophthisis. Last evaluated: 2026-01-27. Review status: criteria provided, single submitter. Criteria: Invitae Variant Classification Sherloc (09022015). Collection method: clinical testing. Allele origin: germline.

ARUP Laboratories, Molecular Genetics and Genomics, ARUP Laboratories
Classification: Benign. Last evaluated: 2023-02-10. Review status: criteria provided, single submitter. Criteria: ARUP Molecular Germline Variant Investigation Process 2024. Collection method: clinical testing. Allele origin: germline.

GeneDx
Classification: Benign. Last evaluated: 2016-05-10. Review status: criteria provided, single submitter. Criteria: GeneDx Variant Classification (06012015). Collection method: clinical testing. Allele origin: germline. Affected: yes.
Comment: This variant is considered likely benign or benign based on one or more of the following criteria: it is a conservative change, it occurs at a poorly conserved position in the protein, it is predicted to be benign by multiple in silico algorithms, and/or has population frequency not consistent with disease.

PreventionGenetics, part of Exact Sciences
Classification: Benign. Review status: criteria provided, single submitter. Criteria: ACMG Guidelines, 2015. Collection method: clinical testing. Allele origin: germline.